The following is an entry in ClinVar:

ClinVar aggregate classification (germline): Uncertain significance (1 of 4 stars; one submission).

Conditions:
ABCB4-related disorder. Also called: ABCB4-related disorders; ABCB4-related condition.

Submission:

PreventionGenetics, part of Exact Sciences
Classification: Uncertain significance for ABCB4-related condition. Last evaluated: 2026-07-28. Review status: criteria provided, single submitter. Criteria: ACMG Guidelines, 2015. Collection method: clinical testing. Allele origin: germline.
Comment: The ABCB4 c.1294G>A variant is predicted to result in the amino acid substitution p.Gly432Ser. To our knowledge, this variant has not been reported in the literature or in a large population database (gnomAD), indicating this variant is rare. At this time, the clinical significance of this variant is uncertain due to the absence of conclusive functional and genetic evidence.

NM_000443.4(ABCB4):c.1294G>A (p.Gly432Ser)

Gene: ABCB4 (ATP binding cassette subfamily B member 4; minus strand). Cytogenetic location: 7q21.12.
Variant type: single nucleotide variant.
Coding change: c.1294G>A on transcript NM_000443.4 (MANE Select); coding-DNA position 1294, G replaced by A.
Protein change: p.Gly432Ser; replaces glycine 432 with serine.
Molecular consequence: missense variant.
Genome position (GRCh38, 1-based): chr7:87,443,381, C>T on the plus strand (G>A on the coding strand, the complement: ABCB4 is on the minus strand). VCF-style: chr7-87443381-C-T. GRCh37 (hg19) VCF-style: chr7-87072697-C-T.
Other names: c.1294G>A, p.Gly432Ser (NM_018849.3, NM_018850.3); short protein forms G432S.
Identifiers: ClinVar variation 4994933 (VCV004994933.1).